The following is an entry in ClinVar:

NM_005555.4(KRT6B):c.1414G>A (p.Glu472Lys)

Gene: KRT6B (keratin 6B; minus strand). Cytogenetic location: 12q13.13.
Variant type: single nucleotide variant.
Coding change: c.1414G>A on transcript NM_005555.4 (MANE Select); coding-DNA position 1414, G replaced by A.
Protein change: p.Glu472Lys; replaces glutamic acid 472 with lysine.
Molecular consequence: missense variant.
Genome position (GRCh38, 1-based): chr12:52,447,788, C>T on the plus strand (G>A on the coding strand, the complement: KRT6B is on the minus strand). VCF-style: chr12-52447788-C-T. GRCh37 (hg19) VCF-style: chr12-52841572-C-T.
Other names: short protein forms E472K.
Identifiers: ClinVar variation 14633 (VCV000014633.8), dbSNP rs60627726, ClinGen allele CA210845.

ClinVar aggregate classification (germline): Pathogenic. Review status: criteria provided, multiple submitters, no conflicts (2 of 4 stars). 5 submissions from 5 submitters: Pathogenic (3). 2 of the submissions do not count toward it. Last evaluated 2025-11-18.

Conditions:
Pachyonychia congenita 4 (PC4). Also called: KRT6B-Related Pachyonychia Congenita. Identifiers: Orphanet 2309, MedGen C3714949, MONDO:0014325, OMIM 615728.

Submissions (5):

Labcorp Genetics (formerly Invitae), Labcorp
Classification: Pathogenic. Last evaluated: 2025-11-18. Review status: criteria provided, single submitter. Criteria: Invitae Variant Classification Sherloc (09022015). Collection method: clinical testing. Allele origin: germline.
Comment: This sequence change replaces glutamic acid, which is acidic and polar, with lysine, which is basic and polar, at codon 472 of the KRT6B protein (p.Glu472Lys). This variant is not present in population databases (gnomAD no frequency). This missense change has been observed in individuals with pachyonychia congenita (PMID: 9618173, 33301203). It has also been observed to segregate with disease in related individuals. ClinVar contains an entry for this variant (Variation ID: 14633). Invitae Evidence Modeling of protein sequence and biophysical properties (such as structural, functional, and spatial information, amino acid conservation, physicochemical variation, residue mobility, and thermodynamic stability) has been performed for this missense variant. However, the output from this modeling did not meet the statistical confidence thresholds required to predict the impact of this variant on KRT6B protein function. For these reasons, this variant has been classified as Pathogenic.

Fulgent Genetics
Classification: Pathogenic for Pachyonychia congenita 4. Last evaluated: 2022-03-07. Review status: criteria provided, single submitter. Criteria: ACMG Guidelines, 2015. Collection method: clinical testing. Allele origin: unknown.

GeneDx
Classification: Pathogenic. Last evaluated: 2016-06-17. Review status: criteria provided, single submitter. Criteria: GeneDx Variant Classification (06012015). Collection method: clinical testing. Allele origin: germline. Affected: yes.
Comment: The E472K variant in the KRT6B gene has been previously reported in patients with pachyonychia congenita (Smith et al., 1998; Wilson et al., 2014). It was not observed in approximately 6,500 individuals of European and African American ancestry in the NHLBI Exome Sequencing Project, indicating it is not a common benign variant in these populations. E472K is a non-conservative amino acid substitution, which is likely to impact secondary protein structure as these residues differ in polarity, charge, size and/or other properties. This substitution occurs within a known mutational hotspot region (helix termination motif) that is highly conserved across all species and among all members of the keratin family. Many other pathogenic variants in patients with pachyonychia congenita have been reported in nearby residues (L469R) according to the Human Gene Mutation Database (Stenson et al., 2014). It is well established that keratin gene mutations affecting the residues at the ends of the central rod domains of the keratin proteins (helix initiation and termination motifs) interfere with proper keratin intermediate filament assembly and function, resulting in hyperkeratosis (Chamcheu et al., 2011). Additionally, the KRT6B gene has a low rate of benign missense variant with missense variants being a common mechanism of disease. Therefore, we consider E472K to be pathogenic.

OMIM
Classification: Pathogenic for PACHYONYCHIA CONGENITA 4. Last evaluated: 2005-10-01. Review status: no assertion criteria provided. Collection method: literature only. Allele origin: germline. Not counted in ClinVar's aggregate classification.

Epithelial Biology;  Institute of Medical Biology, Singapore
No classification provided. Review status: no classification provided. Collection method: not provided. Allele origin: not provided. Not counted in ClinVar's aggregate classification.

Literature cited by the submitters: PubMed 9618173 (cited by Labcorp Genetics (formerly Invitae), Labcorp and OMIM); PubMed 33301203 (cited by Labcorp Genetics (formerly Invitae), Labcorp); PubMed 16250206 (cited by OMIM); PubMed 24611874 (cited by OMIM).